The following is an entry in ClinVar:

NM_002474.3(MYH11):c.5284G>C (p.Ala1762Pro)

Genes: MYH11 (myosin heavy chain 11; minus strand), NDE1 (nudE neurodevelopment protein 1; plus strand). Cytogenetic location: 16p13.11.
Variant type: single nucleotide variant.
Coding change: c.5284G>C on transcript NM_002474.3 (MANE Select); coding-DNA position 5284, G replaced by C.
Protein change: p.Ala1762Pro; replaces alanine 1762 with proline.
Molecular consequence: missense variant. On other transcripts: intron variant (2).
Genome position (GRCh38, 1-based): chr16:15,718,326, C>G on the plus strand (G>C on the coding strand, the complement: MYH11 is on the minus strand). VCF-style: chr16-15718326-C-G. GRCh37 (hg19) VCF-style: chr16-15812183-C-G.
Other names: c.5305G>C, p.Ala1769Pro (NM_001040113.2, NM_001040114.2); c.5284G>C, p.Ala1762Pro (NM_022844.3); c.948-5865C>G (NM_001143979.2, NM_017668.3); short protein forms A1762P, A1769P.
Identifiers: ClinVar variation 3075098 (VCV003075098.1), dbSNP rs142824472, ClinGen allele CA394849819.

ClinVar aggregate classification (germline): Uncertain significance (1 of 4 stars; one submission).

Conditions:
Familial thoracic aortic aneurysm and aortic dissection (TAAD). Also called: Thoracic aortic aneurysms and dissections. Identifiers: Orphanet 91387, MedGen C4707243, MONDO:0019625.

Submission:

All of Us Research Program, National Institutes of Health
Classification: Uncertain significance for Familial thoracic aortic aneurysm and aortic dissection. Last evaluated: 2023-12-18. Review status: criteria provided, single submitter. Criteria: ACMG Guidelines, 2015. Collection method: clinical testing. Allele origin: germline. Inheritance: Autosomal dominant inheritance. Observed: 1 variant allele, 1 heterozygote.
Comment: This missense variant replaces alanine with proline at codon 1769 of the MYH11 protein. Computational prediction suggests that this variant may have deleterious impact on protein structure and function (internally defined REVEL score threshold >= 0.7, PMID: 27666373). To our knowledge, functional studies have not been reported for this variant. This variant has not been reported in individuals affected with MYH11-related disorders in the literature. This variant has not been identified in the general population by the Genome Aggregation Database (gnomAD). The available evidence is insufficient to determine the role of this variant in disease conclusively. Therefore, this variant is classified as a Variant of Uncertain Significance.

This study involves interpretation of variants in research participants for the purpose of population health screening. Participant phenotype was not available at the time of variant classification. Additional details can be found in publication PMID: 35346344, PMCID: PMC8962531